The following is an entry in ClinVar:

ClinVar aggregate classification (germline): Uncertain significance (1 of 4 stars; one submission).

Allele frequency attached by ClinVar (database versions not stated): gnomAD exomes below 0.00001 and 0.00002; TOPMed below 0.00001; ExAC 0.00002; ESP Exome Variant Server 0.00008.
gnomAD v4.1: 23 of 1,614,080 alleles (0.0014%); highest among the groups gnomAD compares: Non-Finnish European, 0.0019%; no homozygotes.

Submission:

Labcorp Genetics (formerly Invitae), Labcorp
Classification: Uncertain significance. Last evaluated: 2022-07-26. Review status: criteria provided, single submitter. Criteria: Invitae Variant Classification Sherloc (09022015). Collection method: clinical testing. Allele origin: germline.
Comment: This sequence change replaces alanine, which is neutral and non-polar, with glycine, which is neutral and non-polar, at codon 569 of the ARHGEF10 protein (p.Ala569Gly). In summary, the available evidence is currently insufficient to determine the role of this variant in disease. Therefore, it has been classified as a Variant of Uncertain Significance. Algorithms developed to predict the effect of missense changes on protein structure and function (SIFT, PolyPhen-2, Align-GVGD) all suggest that this variant is likely to be disruptive. ClinVar contains an entry for this variant (Variation ID: 1355704). This variant has not been reported in the literature in individuals affected with ARHGEF10-related conditions. This variant is present in population databases (rs375204221, gnomAD 0.002%).

NM_014629.4(ARHGEF10):c.1706C>G (p.Ala569Gly)

Gene: ARHGEF10 (Rho guanine nucleotide exchange factor 10; plus strand). Cytogenetic location: 8p23.3.
Variant type: single nucleotide variant.
Coding change: c.1706C>G on transcript NM_014629.4 (MANE Select); coding-DNA position 1706, C replaced by G.
Protein change: p.Ala569Gly; replaces alanine 569 with glycine.
Molecular consequence: missense variant.
Genome position (GRCh38, 1-based): chr8:1,903,336, C>G. VCF-style: chr8-1903336-C-G. GRCh37 (hg19) VCF-style: chr8-1851502-C-G.
Other names: c.1592C>G, p.Ala531Gly (NM_001308152.2); c.1706C>G, p.Ala569Gly (NM_001308153.3); short protein forms A593G, A569G, A531G.
Identifiers: ClinVar variation 1355704 (VCV001355704.6), dbSNP rs375204221, ClinGen allele CA4600519.